The following is an entry in ClinVar:

ClinVar aggregate classification (germline): Pathogenic (1 of 4 stars; one submission).

Conditions:
Supravalvar aortic stenosis (SVAS). Also called: Supravalvar aortic stenosis, Eisenberg type. Identifiers: Orphanet 3193, MedGen C0003499, MONDO:0008504, OMIM 185500, HP:0004381.

Submission:

Labcorp Genetics (formerly Invitae), Labcorp
Classification: Pathogenic for Supravalvar aortic stenosis. Last evaluated: 2018-07-10. Review status: criteria provided, single submitter. Criteria: Invitae Variant Classification Sherloc (09022015). Collection method: clinical testing. Allele origin: germline.
Comment: For these reasons, this variant has been classified as Pathogenic. Loss-of-function variants in ELN are known to be pathogenic (PMID: 11175284). This variant has not been reported in the literature in individuals with ELN-related disease. This variant is not present in population databases (ExAC no frequency). This sequence change creates a premature translational stop signal (p.Val524Leufs*151) in the ELN gene. It is expected to result in an absent or disrupted protein product.

Literature cited by the submitters: PubMed 11175284.

NM_000501.4(ELN):c.1482del (p.Val495fs)

Genes: ELN-AS1 (ELN antisense RNA 1; minus strand), ELN (elastin; plus strand). Cytogenetic location: 7q11.23.
Variant type: Deletion.
Coding change: c.1482del on transcript NM_000501.4 (MANE Select); coding-DNA position 1482, one base deleted (A; older notation c.1482delA).
Protein change: p.Val495fs; shifts the reading frame from valine 495.
Molecular consequence: frameshift variant.
Genome position (GRCh38, 1-based): chr7:74,059,953, A deleted. VCF-style (leftmost placement, unchanged base first): chr7-74059952-GA-G. GRCh37 (hg19) VCF-style: chr7-73474282-GA-G.
Other names: c.1395del, p.Val466fs (NM_001081752.3); c.1440del, p.Val481fs (NM_001081753.3); c.1497del, p.Val500fs (NM_001081754.3); c.1425del, p.Val476fs (NM_001081755.3); c.1482del, p.Val495fs (NM_001278912.2); c.1239del, p.Val414fs (NM_001278913.2); c.1410del, p.Val471fs (NM_001278914.2); c.1500del, p.Val501fs (NM_001278915.2); and 4 more; short protein forms V495fs, V500fs, V524fs, V466fs, V481fs, V485fs, V501fs, V406fs.
Identifiers: ClinVar variation 642454 (VCV000642454.7), dbSNP rs1583959262, ClinGen allele CA915944941.
Genomic context (GRCh38, chr7:74,059,952, plus strand): 5'-TTCCTGGTGTCGGCGTGGCTCCTGGAGTTGGCGTGGCTCCTGGTGTCGGTGTGGCTCCTG[GA>G]GTTGGCTTGGCTCCTGGAGTTGGCGTGGCTCCTGGAGTTGGTGTGGCTCCTGGCGTTGGC-3'